The following is an entry in ClinVar:

NM_052865.4(MGME1):c.103T>A (p.Cys35Ser)

Genes: MGME1 (mitochondrial genome maintenance exonuclease 1; plus strand), LOC126862983 (CDK7 strongly-dependent group 2 enhancer GRCh37_chr20:17950167-17951366; plus strand). Cytogenetic location: 20p11.23.
Variant type: single nucleotide variant.
Coding change: c.103T>A on transcript NM_052865.4 (MANE Select); coding-DNA position 103, T replaced by A.
Protein change: p.Cys35Ser; replaces cysteine 35 with serine.
Molecular consequence: missense variant.
Genome position (GRCh38, 1-based): chr20:17,969,962, T>A. VCF-style: chr20-17969962-T-A. GRCh37 (hg19) VCF-style: chr20-17950605-T-A.
Other names: c.103T>A, p.Cys35Ser (NM_001310338.2, NM_001310339.2, NM_001363738.2); c.103T>A (NM_052865.2); short protein forms C35S.
Identifiers: ClinVar variation 1503247 (VCV001503247.4), dbSNP rs777352316, ClinGen allele CA9774882.

ClinVar aggregate classification (germline): Uncertain significance. Review status: criteria provided, multiple submitters, no conflicts (2 of 4 stars). 2 submissions from 2 submitters: Uncertain significance (2). Last evaluated 2025-09-04.

Conditions:
Inborn genetic diseases. Identifiers: MedGen C0950123, MeSH D030342.

Allele frequency attached by ClinVar (database versions not stated): ExAC 0.00001; gnomAD exomes 0.00001 and 0.00004; gnomAD 0.00003.
gnomAD v4.1: 57 of 1,614,068 alleles (0.0035%); highest among the groups gnomAD compares: Non-Finnish European, 0.0047%; no homozygotes.

Submissions (2):

Ambry Genetics
Classification: Uncertain significance for Inborn genetic diseases. Last evaluated: 2025-09-04. Review status: criteria provided, single submitter. Criteria: Ambry Variant Classification Scheme 2023. Collection method: clinical testing. Allele origin: germline.

Labcorp Genetics (formerly Invitae), Labcorp
Classification: Uncertain significance. Last evaluated: 2022-10-13. Review status: criteria provided, single submitter. Criteria: Invitae Variant Classification Sherloc (09022015). Collection method: clinical testing. Allele origin: germline.
Comment: This sequence change replaces cysteine, which is neutral and slightly polar, with serine, which is neutral and polar, at codon 35 of the MGME1 protein (p.Cys35Ser). This variant is present in population databases (rs777352316, gnomAD 0.003%). This variant has not been reported in the literature in individuals affected with MGME1-related conditions. ClinVar contains an entry for this variant (Variation ID: 1503247). Algorithms developed to predict the effect of missense changes on protein structure and function (SIFT, PolyPhen-2, Align-GVGD) all suggest that this variant is likely to be tolerated. In summary, the available evidence is currently insufficient to determine the role of this variant in disease. Therefore, it has been classified as a Variant of Uncertain Significance.